The following is an entry in ClinVar:

ClinVar aggregate classification (germline): Uncertain significance. Review status: criteria provided, multiple submitters, no conflicts (2 of 4 stars). 6 submissions from 6 submitters: Uncertain significance (5). 1 of the submissions does not count toward it. Last evaluated 2025-11-17.

Conditions:
Hereditary cancer-predisposing syndrome. Also called: Tumor predisposition; Hereditary neoplastic syndrome; Neoplastic Syndromes, Hereditary; Hereditary Cancer Syndrome. Identifiers: Orphanet 140162, MedGen C0027672, MeSH D009386, MONDO:0015356.
Breast neoplasm. Also called: Neoplasm of breast; Breast tumor; Neoplasm of the breast; Breast Neoplasms. Identifiers: MedGen C1458155, MeSH D001943, MONDO:0021100, HP:0100013. Disease mechanism: gain of function.
Hereditary breast ovarian cancer syndrome. Also called: Hereditary breast and ovarian cancer; BRCA1- and BRCA2-Associated Hereditary Breast and Ovarian Cancer; Hereditary breast and/or ovarian cancer syndrome; Hereditary breast and ovarian cancer syndrome; Hereditary breast and ovarian cancer syndrome (HBOC); Breast and ovarian cancer. Identifiers: Orphanet 145, MedGen C0677776, MeSH D061325, MONDO:0003582. Disease mechanism: loss of function.
Breast-ovarian cancer, familial, susceptibility to, 2 (BROVCA2). Also called: BRCA2 Hereditary Breast and Ovarian Cancer. Identifiers: Orphanet 145, MedGen C2675520, MONDO:0012933, OMIM 612555. Disease mechanism: loss of function.

Submissions (6):

Labcorp Genetics (formerly Invitae), Labcorp
Classification: Uncertain significance for Hereditary breast ovarian cancer syndrome. Last evaluated: 2025-11-17. Review status: criteria provided, single submitter. Criteria: Invitae Variant Classification Sherloc (09022015). Collection method: clinical testing. Allele origin: germline.
Comment: This sequence change replaces arginine, which is basic and polar, with glycine, which is neutral and non-polar, at codon 3384 of the BRCA2 protein (p.Arg3384Gly). This variant is not present in population databases (gnomAD no frequency). This missense change has been observed in individual(s) with breast and/or ovarian cancer (PMID: 27257965, 30702160, 33078592, 34178674). ClinVar contains an entry for this variant (Variation ID: 224478). Invitae Evidence Modeling of protein sequence and biophysical properties (such as structural, functional, and spatial information, amino acid conservation, physicochemical variation, residue mobility, and thermodynamic stability) indicates that this missense variant is not expected to disrupt BRCA2 protein function with a negative predictive value of 95%. In summary, the available evidence is currently insufficient to determine the role of this variant in disease. Therefore, it has been classified as a Variant of Uncertain Significance.

Color Diagnostics, LLC DBA Color Health
Classification: Uncertain significance for Hereditary cancer-predisposing syndrome. Last evaluated: 2025-06-24. Review status: criteria provided, single submitter. Criteria: ACMG Guidelines, 2015. Collection method: clinical testing. Allele origin: germline.
Comment: This missense variant replaces arginine with glycine at codon 3384 of the BRCA2 protein. Computational prediction suggests that this variant may not impact protein structure and function. To our knowledge, functional studies have not been reported for this variant. This variant has been reported in an individual with breast cancer (PMID: 27257965) and two individuals with ovarian cancer (PMID: 33078592, 34178674), as well as in an unaffected individual (PMID: 35116780). In a breast cancer case-control study, this variant has been observed in 1/60466 BC cases and 0/53461 controls (PMID: 33471991). This variant has not been identified in the general population by the Genome Aggregation Database (gnomAD). The available evidence is insufficient to determine the role of this variant in disease conclusively. Therefore, this variant is classified as a Variant of Uncertain Significance.

All of Us Research Program, National Institutes of Health
Classification: Uncertain significance for Breast-ovarian cancer, familial, susceptibility to, 2. Last evaluated: 2023-04-03. Review status: criteria provided, single submitter. Criteria: ACMG Guidelines, 2015. Collection method: clinical testing. Allele origin: germline. Inheritance: Autosomal dominant inheritance. Observed: 1 variant allele, 1 heterozygote.
Comment: This missense variant replaces arginine with glycine at codon 3384 of the BRCA2 protein. Computational prediction suggests that this variant may not impact protein structure and function (internally defined REVEL score threshold <= 0.5, PMID: 27666373). To our knowledge, functional studies have not been reported for this variant. This variant has been reported in 2 individuals affected with ovarian cancer and 1 individual affected with breast cancer (PMID: 33078592, 34178674, 33471991; Leiden Open Variation Database DB-ID BRCA2_006980). This variant has not been identified in the general population by the Genome Aggregation Database (gnomAD). The available evidence is insufficient to determine the role of this variant in disease conclusively. Therefore, this variant is classified as a Variant of Uncertain Significance.

This study involves interpretation of variants in research participants for the purpose of population health screening. Participant phenotype was not available at the time of variant classification. Additional details can be found in publication PMID: 35346344, PMCID: PMC8962531

Ambry Genetics
Classification: Uncertain significance for Hereditary cancer-predisposing syndrome. Last evaluated: 2020-03-23. Review status: criteria provided, single submitter. Criteria: Ambry Variant Classification Scheme 2023. Collection method: clinical testing. Allele origin: germline.
Comment: The p.R3384G variant (also known as c.10150C>G), located in coding exon 26 of the BRCA2 gene, results from a C to G substitution at nucleotide position 10150. The arginine at codon 3384 is replaced by glycine, an amino acid with dissimilar properties. This alteration was identified in 1/507 unselected Chinese breast cancer patients (Zhong X et al. PLoS ONE, 2016 Jun;11:e0156789). This amino acid position is not well conserved in available vertebrate species. In addition, this alteration is predicted to be tolerated by in silico analysis. Since supporting evidence is limited at this time, the clinical significance of this alteration remains unclear.

Laboratory of Molecular Diagnosis of Cancer, West China Hospital, Sichuan University
Classification: Uncertain significance for Breast neoplasm. Last evaluated: 2015-11-01. Review status: criteria provided, single submitter. Criteria: ACMG Guidelines, 2015. Collection method: research. Allele origin: germline. Affected: yes. Observed: 1 variant allele.

Counsyl
Classification: Uncertain significance for Breast-ovarian cancer, familial, susceptibility to, 2. Last evaluated: 2018-04-18. Review status: no assertion criteria provided. Collection method: clinical testing. Allele origin: unknown. Not counted in ClinVar's aggregate classification.

Literature cited by the submitters: PubMed 27257965 (cited by 5 submitters); PubMed 30702160 (cited by Labcorp Genetics (formerly Invitae), Labcorp); PubMed 33078592 (cited by 3 submitters); PubMed 34178674 (cited by 3 submitters); PubMed 33471991 (cited by Color Diagnostics, LLC DBA Color Health and All of Us Research Program, National Institutes of Health); PubMed 35116780 (cited by Color Diagnostics, LLC DBA Color Health).

NM_000059.4(BRCA2):c.10150C>G (p.Arg3384Gly)

Gene: BRCA2 (BRCA2 DNA repair associated; plus strand). Cytogenetic location: 13q13.1.
Variant type: single nucleotide variant.
Coding change: c.10150C>G on transcript NM_000059.4 (MANE Select); coding-DNA position 10150, C replaced by G.
Protein change: p.Arg3384Gly; replaces arginine 3384 with glycine.
Molecular consequence: missense variant.
Genome position (GRCh38, 1-based): chr13:32,398,663, C>G. VCF-style: chr13-32398663-C-G. GRCh37 (hg19) VCF-style: chr13-32972800-C-G.
Other names: short protein forms R3384G.
Identifiers: ClinVar variation 224478 (VCV000224478.13), dbSNP rs397507568, ClinGen allele CA10575937.